The following is an entry in ClinVar:

ClinVar aggregate classification (germline): Conflicting classifications of pathogenicity. Review status: criteria provided, conflicting classifications (1 of 4 stars). 4 submissions from 4 submitters: Uncertain significance (2); Likely benign (2). Last evaluated 2023-07-20.

Conditions:
Hereditary cancer-predisposing syndrome. Also called: Tumor predisposition; Hereditary Cancer Syndrome; Hereditary neoplastic syndrome; Neoplastic Syndromes, Hereditary. Identifiers: Orphanet 140162, MedGen C0027672, MeSH D009386, MONDO:0015356.
Hereditary breast ovarian cancer syndrome. Also called: Breast and ovarian cancer; Hereditary breast and ovarian cancer; Hereditary breast and/or ovarian cancer syndrome; BRCA1- and BRCA2-Associated Hereditary Breast and Ovarian Cancer; Hereditary breast and ovarian cancer syndrome (HBOC); Hereditary breast and ovarian cancer syndrome. Identifiers: Orphanet 145, MedGen C0677776, MeSH D061325, MONDO:0003582. Disease mechanism: loss of function.

Allele frequency attached by ClinVar (database versions not stated): gnomAD exomes below 0.00001.
gnomAD v4.1: 1 of 1,613,926 alleles (0.000062%); highest among the groups gnomAD compares: South Asian, 0.0011%; no homozygotes.

Submissions (4):

Labcorp Genetics (formerly Invitae), Labcorp
Classification: Uncertain significance for Hereditary breast ovarian cancer syndrome. Last evaluated: 2023-07-20. Review status: criteria provided, single submitter. Criteria: Invitae Variant Classification Sherloc (09022015). Collection method: clinical testing. Allele origin: germline.
Comment: This sequence change replaces glycine, which is neutral and non-polar, with aspartic acid, which is acidic and polar, at codon 774 of the BRCA1 protein (p.Gly774Asp). In summary, the available evidence is currently insufficient to determine the role of this variant in disease. Therefore, it has been classified as a Variant of Uncertain Significance. Advanced modeling of protein sequence and biophysical properties (such as structural, functional, and spatial information, amino acid conservation, physicochemical variation, residue mobility, and thermodynamic stability) performed at Invitae indicates that this missense variant is not expected to disrupt BRCA1 protein function. ClinVar contains an entry for this variant (Variation ID: 182146). This variant has not been reported in the literature in individuals affected with BRCA1-related conditions. This variant is not present in population databases (gnomAD no frequency).

University of Washington Department of Laboratory Medicine, University of Washington
Classification: Likely benign for Hereditary cancer-predisposing syndrome. Last evaluated: 2023-03-23. Review status: criteria provided, single submitter. Criteria: Dines et al. (Genet Med. 2020). Collection method: curation. Allele origin: germline.
Comment: Missense variant in a coldspot region where missense variants are very unlikely to be pathogenic (PMID:31911673).

BRCA1 coldspot (exon 11 using historical exon numbering). Reclassification based on statistical prior probability

Ambry Genetics
Classification: Likely benign for Hereditary cancer-predisposing syndrome. Last evaluated: 2022-12-07. Review status: criteria provided, single submitter. Criteria: Ambry Variant Classification Scheme 2023. Collection method: clinical testing. Allele origin: germline.

GeneDx
Classification: Uncertain significance. Last evaluated: 2014-09-11. Review status: criteria provided, single submitter. Criteria: GeneDx Variant Classification (06012015). Collection method: clinical testing. Allele origin: germline. Affected: yes.
Comment: This variant is denoted BRCA1 c.2321G>A at the cDNA level, p.Gly774Asp (G774D) at the protein level, and results in the change of a Glycine to an Aspartic Acid (GGT>GAT). This variant has not, to our knowledge, been published in the literature as pathogenic or benign. BRCA1 Gly774Asp was not observed in approximately 6,500 individuals of European and African American ancestry in the NHLBI Exome Sequencing Project, indicating it is not a common benign variant in these populations. Since Glycine and Aspartic Acid differ in polarity, charge, size or other properties, this is considered a non-conservative amino acid substitution. BRCA1 Gly774Asp occurs at a position that is highly variable across species and is not located in a known functional domain. In silico analyses predict that this variant is unlikely to alter protein structure or function. Based on currently available information, it is unclear whether BRCA1 Gly774Asp is pathogenic or benign. We consider it to be a variant of uncertain significance.

NM_007294.4(BRCA1):c.2321G>A (p.Gly774Asp)

Gene: BRCA1 (BRCA1 DNA repair associated; minus strand). Cytogenetic location: 17q21.31.
Variant type: single nucleotide variant.
Coding change: c.2321G>A on transcript NM_007294.4 (MANE Select); coding-DNA position 2321, G replaced by A.
Protein change: p.Gly774Asp; replaces glycine 774 with aspartic acid.
Molecular consequence: missense variant. On other transcripts: intron variant (137).
Genome position (GRCh38, 1-based): chr17:43,093,210, C>T on the plus strand (G>A on the coding strand, the complement: BRCA1 is on the minus strand). VCF-style: chr17-43093210-C-T. GRCh37 (hg19) VCF-style: chr17-41245227-C-T.
Other names: p.G774D:GGT>GAT; c.2195G>A, p.Gly732Asp (NM_001407671.1, NM_001407673.1, NM_001407672.1 and 11 more transcripts); c.2180G>A, p.Gly727Asp (NM_001407942.1, NM_001407944.1, NM_001407945.1 and 29 more transcripts); c.2177G>A, p.Gly726Asp (NM_001407943.1, NM_001407740.1, NM_001407741.1 and 20 more transcripts); c.1988G>A, p.Gly663Asp (NM_001407946.1, NM_001407948.1, NM_001407947.1 and 6 more transcripts); c.2198G>A, p.Gly733Asp (NM_001407675.1, NM_001407676.1, NM_001407674.1 and 19 more transcripts); c.577+1534G>A (NM_001408489.1, NM_001408479.1, NM_001408482.1 and 9 more transcripts); c.661+1534G>A (NM_001408445.1, NM_001408432.1, NM_001408450.1 and 6 more transcripts); and 42 more; short protein forms G774D, G727D, G647D, G685D, G686D, G771D, G662D, G704D.
Identifiers: ClinVar variation 182146 (VCV000182146.15), dbSNP rs730881482, ClinGen allele CA001549.
Genomic context (GRCh38, chr17:43,093,210, plus strand): 5'-GCCTTCCCTAGAGTGCTAACTTCCAGTAACGAGATACTTTCCTGAGTGCCATAATCAGTA[C>T]CAGGTACCAATGAAATACTGCTACTCTCTACAGATCTTTCAGTTTGCAAAACCCTTTCTC-3'
Protein context (NP_009225.1, residues 764-784): VESSSISLVP[Gly774Asp]TDYGTQESIS